The following is an entry in ClinVar:

NM_003201.3(TFAM):c.291+9A>G

Gene: TFAM (transcription factor A, mitochondrial; plus strand). Cytogenetic location: 10q21.1.
Variant type: single nucleotide variant.
Coding change: c.291+9A>G on transcript NM_003201.3 (MANE Select); 9 bases into the intron after coding-DNA position 291, A replaced by G.
Molecular consequence: intron variant.
Genome position (GRCh38, 1-based): chr10:58,388,269, A>G. VCF-style: chr10-58388269-A-G. GRCh37 (hg19) VCF-style: chr10-60148029-A-G.
Other names: c.291+9A>G (NM_001270782.2, NM_003201.2).
Identifiers: ClinVar variation 2043897 (VCV002043897.8), dbSNP rs201846997, ClinGen allele CA5507922.

ClinVar aggregate classification (germline): Conflicting classifications of pathogenicity. Review status: criteria provided, conflicting classifications (1 of 4 stars). 3 submissions from 3 submitters: Uncertain significance (1); Benign (1). 1 of the submissions does not count toward it. Last evaluated 2025-12-13.

Conditions:
TFAM-related disorder. Also called: TFAM-related condition.
Mitochondrial DNA depletion syndrome 15 (hepatocerebral type) (MTDPS15). Also called: Hepatocerebral Mitochondrial DNA Depletion Syndrome. Identifiers: MedGen C4310690, MONDO:0014943, OMIM 617156.

Allele frequency attached by ClinVar (database versions not stated): 1000 Genomes Project 0.00040; 1000 Genomes Project 30x 0.00047; TOPMed 0.00088; gnomAD 0.00098; ESP Exome Variant Server 0.00100; ExAC 0.00027.

Submissions (4):

Labcorp Genetics (formerly Invitae), Labcorp
Classification: Benign. Last evaluated: 2025-12-13. Review status: criteria provided, single submitter. Criteria: Invitae Variant Classification Sherloc (09022015). Collection method: clinical testing. Allele origin: germline.

Baylor Genetics
Classification: Uncertain significance for Mitochondrial DNA depletion syndrome 15 (hepatocerebral type). Last evaluated: 2021-05-19. Review status: criteria provided, single submitter. Criteria: ACMG Guidelines, 2015. Collection method: clinical testing. Allele origin: unknown.

PreventionGenetics, part of Exact Sciences
Classification: Likely benign for TFAM-related condition. Last evaluated: 2019-03-04. Review status: no assertion criteria provided. Collection method: clinical testing. Allele origin: germline. Not counted in ClinVar's aggregate classification.
Comment: This variant is classified as likely benign based on ACMG/AMP sequence variant interpretation guidelines (Richards et al. 2015 PMID: 25741868, with internal and published modifications).

Dr. Peter K. Rogan Lab, Western University
No classification provided (evidence only). Condition: Clear cell carcinoma of kidney. Review status: no classification provided. Collection method: in vitro. Allele origin: not applicable. Functional consequence: retained intron. Not counted in ClinVar's aggregate classification.